The following is an entry in ClinVar:

NM_031942.5(CDCA7):c.846T>G (p.Asp282Glu)

Gene: CDCA7 (cell division cycle associated 7; plus strand). Cytogenetic location: 2q31.1.
Variant type: single nucleotide variant.
Coding change: c.846T>G on transcript NM_031942.5 (MANE Select); coding-DNA position 846, T replaced by G.
Protein change: p.Asp282Glu; replaces aspartic acid 282 with glutamic acid.
Molecular consequence: missense variant.
Genome position (GRCh38, 1-based): chr2:173,364,941, T>G. VCF-style: chr2-173364941-T-G. GRCh37 (hg19) VCF-style: chr2-174229669-T-G.
Other names: c.609T>G, p.Asp203Glu (NM_145810.3); short protein forms D203E, D282E.
Identifiers: ClinVar variation 1497698 (VCV001497698.4), dbSNP rs1686691349, ClinGen allele CA349328964.

ClinVar aggregate classification (germline): Uncertain significance (1 of 4 stars; one submission).

Allele frequency attached by ClinVar (database versions not stated): TOPMed below 0.00001; gnomAD 0.00001.

Submission:

Labcorp Genetics (formerly Invitae), Labcorp
Classification: Uncertain significance. Last evaluated: 2021-09-17. Review status: criteria provided, single submitter. Criteria: Invitae Variant Classification Sherloc (09022015). Collection method: clinical testing. Allele origin: germline.
Comment: In summary, the available evidence is currently insufficient to determine the role of this variant in disease. Therefore, it has been classified as a Variant of Uncertain Significance. Algorithms developed to predict the effect of missense changes on protein structure and function are either unavailable or do not agree on the potential impact of this missense change (SIFT: "Deleterious"; PolyPhen-2: "Benign"; Align-GVGD: "Class C0"). This variant has not been reported in the literature in individuals affected with CDCA7-related conditions. This variant is not present in population databases (ExAC no frequency). This sequence change replaces aspartic acid with glutamic acid at codon 282 of the CDCA7 protein (p.Asp282Glu). The aspartic acid residue is highly conserved and there is a small physicochemical difference between aspartic acid and glutamic acid.